The following is an entry in ClinVar:

ClinVar aggregate classification (germline): Uncertain significance (1 of 4 stars; one submission).

Conditions:
Early-infantile DEE. Also called: Ohtahara syndrome; Early infantile epileptic encephalopathy with suppression bursts; Early infantile epileptic encephalopathy. Identifiers: Orphanet 1934, MedGen C0393706, MONDO:0800491.

Submission:

Labcorp Genetics (formerly Invitae), Labcorp
Classification: Uncertain significance for Early-infantile DEE. Last evaluated: 2024-05-15. Review status: criteria provided, single submitter. Criteria: Invitae Variant Classification Sherloc (09022015). Collection method: clinical testing. Allele origin: germline.
Comment: This sequence change falls in intron 20 of the SCN1A gene. It does not directly change the encoded amino acid sequence of the SCN1A protein. However, this sequence change falls within a region encompassing a cryptic exon in the SCN1A gene, in which variants have been shown to alter splicing (PMID: 30526861, 34107977). This variant is not present in population databases (gnomAD no frequency). This variant has not been reported in the literature in individuals affected with SCN1A-related conditions. ClinVar contains an entry for this variant (Variation ID: 1955791). Algorithms developed to predict the effect of sequence changes on RNA splicing suggest that this variant is not likely to affect RNA splicing. In summary, the available evidence is currently insufficient to determine the role of this variant in disease. Therefore, it has been classified as a Variant of Uncertain Significance.

Literature cited by the submitters: PubMed 30526861; PubMed 34107977.

NM_001165963.4(SCN1A):c.4002+2044A>G

Genes: SCN1A (sodium voltage-gated channel alpha subunit 1; minus strand), LOC102724058 (uncharacterized LOC102724058; plus strand). Cytogenetic location: 2q24.3.
Variant type: single nucleotide variant.
Coding change: c.4002+2044A>G on transcript NM_001165963.4 (MANE Select); 2044 bases into the intron after coding-DNA position 4002, A replaced by G.
Molecular consequence: intron variant.
Genome position (GRCh38, 1-based): chr2:166,007,675, T>C on the plus strand (A>G on the coding strand, the complement: SCN1A is on the minus strand). VCF-style: chr2-166007675-T-C. GRCh37 (hg19) VCF-style: chr2-166864185-T-C.
Other names: c.3969+2044A>G (NM_001353949.2, NM_001353950.2, NM_001353951.2 and 2 more transcripts); c.3918+2044A>G (NM_001353958.2, NM_001353957.2, NM_001165964.3); c.4002+2044A>G (NM_001202435.3, NM_001353948.2); c.3966+2044A>G (NM_001353955.2, NM_001353954.2); c.3915+2044A>G (NM_001353960.2); c.1560+2044A>G (NM_001353961.2).
Identifiers: ClinVar variation 1955791 (VCV001955791.5), dbSNP rs2468474957, ClinGen allele CA2580064285.